The following is an entry in ClinVar:

ClinVar aggregate classification (germline): Likely pathogenic (1 of 4 stars; one submission).

Conditions:
Neuropathy, hereditary motor and sensory, type 6B (HMSN6B). Also called: NEUROPATHY, HEREDITARY MOTOR AND SENSORY, TYPE VIB, WITH OPTIC ATROPHY; HMSN VIB; CHARCOT-MARIE-TOOTH DISEASE, TYPE 6B; Neuropathy, hereditary motor and sensory, type VIB. Identifiers: MedGen C4225302, MONDO:0014671, OMIM 616505.
Pontocerebellar hypoplasia, type 1E. Identifiers: MedGen C5543328, MONDO:0030260, OMIM 619303.

Submission:

Juno Genomics, Hangzhou Juno Genomics, Inc
Classification: Likely pathogenic for Neuropathy, hereditary motor and sensory, type 6B; Pontocerebellar hypoplasia, type 1E. Review status: criteria provided, single submitter. Criteria: ACMG Guidelines, 2015. Collection method: clinical testing. Allele origin: germline. Affected: yes.
Comment: Absent from controls (or at extremely low frequency if recessive) in Genome Aggregation Database, Exome Sequencing Project, 1000 Genomes Project, or Exome Aggregation Consortium.;Multiple lines of computational evidence support a deleterious effect on the gene or gene product (conservation, evolutionary, splicing impact, etc).;For recessive disorders, detected in trans with a pathogenic variant.;Patient's phenotype or family history is highly specific for a disease with a single genetic etiology.

NM_138773.4(SLC25A46):c.674T>G (p.Val225Gly)

Gene: SLC25A46 (solute carrier family 25 member 46; plus strand). Cytogenetic location: 5q22.1.
Variant type: single nucleotide variant.
Coding change: c.674T>G on transcript NM_138773.4 (MANE Select); coding-DNA position 674, T replaced by G.
Protein change: p.Val225Gly; replaces valine 225 with glycine.
Molecular consequence: missense variant. On other transcripts: non-coding transcript variant (1).
Genome position (GRCh38, 1-based): chr5:110,756,755, T>G. VCF-style: chr5-110756755-T-G. GRCh37 (hg19) VCF-style: chr5-110092455-T-G.
Other names: c.674T>G, p.Val225Gly (NM_001303249.3); c.401T>G, p.Val134Gly (NM_001303250.3); short protein forms V134G, V225G.
Identifiers: ClinVar variation 3382951 (VCV003382951.3).